The following is an entry in ClinVar:

ClinVar aggregate classification (germline): Uncertain significance (1 of 4 stars; one submission).

Submission:

Ambry Genetics
Classification: Uncertain significance. Last evaluated: 2024-08-01. Review status: criteria provided, single submitter. Criteria: Ambry Variant Classification Scheme 2023. Collection method: clinical testing. Allele origin: germline.
Comment: The p.S1374F variant (also known as c.4121C>T), located in coding exon 37 of the KIF1B gene, results from a C to T substitution at nucleotide position 4121. The serine at codon 1374 is replaced by phenylalanine, an amino acid with highly dissimilar properties. This amino acid position is conserved. In addition, this alteration is predicted to be deleterious by in silico analysis. Based on the available evidence, the clinical significance of this variant remains unclear.

NM_001365951.3(KIF1B):c.4259C>T (p.Ser1420Phe)

Gene: KIF1B (kinesin family member 1B; plus strand). Cytogenetic location: 1p36.22.
Variant type: single nucleotide variant.
Coding change: c.4259C>T on transcript NM_001365951.3 (MANE Select); coding-DNA position 4259, C replaced by T.
Protein change: p.Ser1420Phe; replaces serine 1420 with phenylalanine.
Molecular consequence: missense variant.
Genome position (GRCh38, 1-based): chr1:10,361,780, C>T. VCF-style: chr1-10361780-C-T. GRCh37 (hg19) VCF-style: chr1-10421838-C-T.
Other names: c.4259C>T, p.Ser1420Phe (NM_001365952.1); c.4121C>T, p.Ser1374Phe (NM_015074.3); short protein forms S1374F, S1420F.
Identifiers: ClinVar variation 3533961 (VCV003533961.1).